The following is an entry in ClinVar:

ClinVar aggregate classification (germline): Uncertain significance (1 of 4 stars; one submission).

Conditions:
Osteogenesis imperfecta type I (OI1). Also called: OI, TYPE I; OSTEOGENESIS IMPERFECTA TARDA; OSTEOGENESIS IMPERFECTA WITH BLUE SCLERAE; Osteogenesis imperfecta type 1; Lobstein's Disease; Lobstein disease. Identifiers: Orphanet 216796, Orphanet 666, MedGen C0023931, MONDO:0008146, OMIM 166200. Disease mechanism: loss of function.
Ehlers-Danlos syndrome, classic type, 1 (EDSCL1). Also called: EHLERS-DANLOS SYNDROME, GRAVIS TYPE; EHLERS-DANLOS SYNDROME, SEVERE CLASSIC TYPE; Ehlers-Danlos syndrome, type 1; EDS I; Ehlers-Danlos Syndrome, Classic Type, COL5A1-Related. Identifiers: MedGen C0268335, MONDO:0019567, OMIM 130000.

Submission:

Labcorp Genetics (formerly Invitae), Labcorp
Classification: Uncertain significance for Osteogenesis imperfecta type I; Ehlers-Danlos syndrome, classic type, 1. Last evaluated: 2021-08-18. Review status: criteria provided, single submitter. Criteria: Invitae Variant Classification Sherloc (09022015). Collection method: clinical testing. Allele origin: germline.
Comment: In summary, the available evidence is currently insufficient to determine the role of this variant in disease. Therefore, it has been classified as a Variant of Uncertain Significance. Advanced modeling of protein sequence and biophysical properties (such as structural, functional, and spatial information, amino acid conservation, physicochemical variation, residue mobility, and thermodynamic stability) performed at Invitae indicates that this missense variant is not expected to disrupt COL1A2 protein function. This variant has not been reported in the literature in individuals affected with COL1A2-related conditions. This variant is not present in population databases (ExAC no frequency). This sequence change replaces proline with leucine at codon 278 of the COL1A2 protein (p.Pro278Leu). The proline residue is highly conserved and there is a moderate physicochemical difference between proline and leucine.

NM_000089.4(COL1A2):c.833C>T (p.Pro278Leu)

Gene: COL1A2 (collagen type I alpha 2 chain; plus strand). Cytogenetic location: 7q21.3.
Variant type: single nucleotide variant.
Coding change: c.833C>T on transcript NM_000089.4 (MANE Select); coding-DNA position 833, C replaced by T.
Protein change: p.Pro278Leu; replaces proline 278 with leucine.
Molecular consequence: missense variant.
Genome position (GRCh38, 1-based): chr7:94,409,362, C>T. VCF-style: chr7-94409362-C-T. GRCh37 (hg19) VCF-style: chr7-94038674-C-T.
Other names: short protein forms P278L.
Identifiers: ClinVar variation 1374292 (VCV001374292.6), dbSNP rs2115892207, ClinGen allele CA368220618.